The following is an entry in ClinVar:

NM_032802.4(SPPL2A):c.1249+3A>C

Gene: SPPL2A (signal peptide peptidase like 2A; minus strand). Cytogenetic location: 15q21.2.
Variant type: single nucleotide variant.
Coding change: c.1249+3A>C on transcript NM_032802.4 (MANE Select); 3 bases into the intron after coding-DNA position 1249, A replaced by C.
Molecular consequence: intron variant.
Genome position (GRCh38, 1-based): chr15:50,725,218, T>G on the plus strand (A>C on the coding strand, the complement: SPPL2A is on the minus strand). VCF-style: chr15-50725218-T-G. GRCh37 (hg19) VCF-style: chr15-51017415-T-G.
Identifiers: ClinVar variation 2999628 (VCV002999628.3), dbSNP rs2542806716, ClinGen allele CA2740096700.
Genomic context (GRCh38, chr15:50,725,218, plus strand): 5'-ACATATGACGATTTAAAATCATCAGTGTTTTTTTTTTTAACTAAAATTGTTACAATTGCT[T>G]ACCTGGTACAATAATGTCTCCAAAACCCAATATTGAAACAGGCATGAGGCACACACTCAT-3'

ClinVar aggregate classification (germline): Uncertain significance (1 of 4 stars; one submission).

Submission:

Labcorp Genetics (formerly Invitae), Labcorp
Classification: Uncertain significance. Last evaluated: 2023-12-19. Review status: criteria provided, single submitter. Criteria: Invitae Variant Classification Sherloc (09022015). Collection method: clinical testing. Allele origin: germline.
Comment: This sequence change falls in intron 12 of the SPPL2A gene. It does not directly change the encoded amino acid sequence of the SPPL2A protein. It affects a nucleotide within the consensus splice site. This variant is not present in population databases (gnomAD no frequency). This variant has not been reported in the literature in individuals affected with SPPL2A-related conditions. Variants that disrupt the consensus splice site are a relatively common cause of aberrant splicing (PMID: 17576681, 9536098). Algorithms developed to predict the effect of sequence changes on RNA splicing suggest that this variant may disrupt the consensus splice site. In summary, the available evidence is currently insufficient to determine the role of this variant in disease. Therefore, it has been classified as a Variant of Uncertain Significance.

Literature cited by the submitters: PubMed 17576681; PubMed 9536098.